The following is an entry in ClinVar:

NM_021116.4(ADCY1):c.1645C>T (p.Arg549Cys)

Gene: ADCY1 (adenylate cyclase 1; plus strand). Cytogenetic location: 7p12.3.
Variant type: single nucleotide variant.
Coding change: c.1645C>T on transcript NM_021116.4 (MANE Select); coding-DNA position 1645, C replaced by T.
Protein change: p.Arg549Cys; replaces arginine 549 with cysteine.
Molecular consequence: missense variant.
Genome position (GRCh38, 1-based): chr7:45,677,908, C>T. VCF-style: chr7-45677908-C-T. GRCh37 (hg19) VCF-style: chr7-45717507-C-T.
Other names: short protein forms R549C.
Identifiers: ClinVar variation 4697493 (VCV004697493.1).

ClinVar aggregate classification (germline): Uncertain significance (1 of 4 stars; one submission).

gnomAD v4.1: 12 of 1,613,908 alleles (0.00074%); highest among the groups gnomAD compares: South Asian, 0.0066%; no homozygotes.

Submission:

Labcorp Genetics (formerly Invitae), Labcorp
Classification: Uncertain significance. Last evaluated: 2025-03-28. Review status: criteria provided, single submitter. Criteria: Invitae Variant Classification Sherloc (09022015). Collection method: clinical testing. Allele origin: germline.
Comment: This sequence change replaces arginine, which is basic and polar, with cysteine, which is neutral and slightly polar, at codon 549 of the ADCY1 protein (p.Arg549Cys). This variant is present in population databases (rs746570916, gnomAD 0.01%). This variant has not been reported in the literature in individuals affected with ADCY1-related conditions. Invitae Evidence Modeling of protein sequence and biophysical properties (such as structural, functional, and spatial information, amino acid conservation, physicochemical variation, residue mobility, and thermodynamic stability) indicates that this missense variant is not expected to disrupt ADCY1 protein function with a negative predictive value of 80%. In summary, the available evidence is currently insufficient to determine the role of this variant in disease. Therefore, it has been classified as a Variant of Uncertain Significance.